The following is an entry in ClinVar:

ClinVar aggregate classification (germline): Uncertain significance (1 of 4 stars; one submission).

Conditions:
Idiopathic generalized epilepsy. Also called: EIG; Generalised epilepsy. Identifiers: MedGen C0270850, MONDO:0005579, OMIM 600669.

Submission:

Labcorp Genetics (formerly Invitae), Labcorp
Classification: Uncertain significance for Idiopathic generalized epilepsy. Last evaluated: 2023-10-13. Review status: criteria provided, single submitter. Criteria: Invitae Variant Classification Sherloc (09022015). Collection method: clinical testing. Allele origin: germline.
Comment: This sequence change falls in intron 3 of the RBFOX1 gene. It does not directly change the encoded amino acid sequence of the RBFOX1 protein. It affects a nucleotide within the consensus splice site. This variant is not present in population databases (gnomAD no frequency). This variant has not been reported in the literature in individuals affected with RBFOX1-related conditions. ClinVar contains an entry for this variant (Variation ID: 1523780). Variants that disrupt the consensus splice site are a relatively common cause of aberrant splicing (PMID: 17576681, 9536098). Algorithms developed to predict the effect of sequence changes on RNA splicing suggest that this variant may disrupt the consensus splice site. In summary, the available evidence is currently insufficient to determine the role of this variant in disease. Therefore, it has been classified as a Variant of Uncertain Significance.

Literature cited by the submitters: PubMed 17576681; PubMed 9536098.

NM_018723.4(RBFOX1):c.414+5G>A

Genes: RBFOX1 (RNA binding fox-1 homolog 1; plus strand), LOC126862278 (CDK7 strongly-dependent group 2 enhancer GRCh37_chr16:7629446-7630645; plus strand). Cytogenetic location: 16p13.3.
Variant type: single nucleotide variant.
Coding change: c.414+5G>A on transcript NM_018723.4 (MANE Select); 5 bases into the intron after coding-DNA position 414, G replaced by A.
Molecular consequence: intron variant.
Genome position (GRCh38, 1-based): chr16:7,579,925, G>A. VCF-style: chr16-7579925-G-A. GRCh37 (hg19) VCF-style: chr16-7629927-G-A.
Other names: c.414+5G>A (NM_001364800.2, NM_001142333.2, NM_001142334.2); c.543+5G>A (NM_001308117.1); c.474+5G>A (NM_145893.3, NM_145891.3, NM_145892.3).
Identifiers: ClinVar variation 1523780 (VCV001523780.6), dbSNP rs2152836590, ClinGen allele CA2573152010.